The following is an entry in ClinVar:

ClinVar aggregate classification (germline): Uncertain significance (1 of 4 stars; one submission).

Conditions:
Cardiovascular phenotype. Identifiers: MedGen CN230736.

Submission:

Ambry Genetics
Classification: Uncertain significance for Cardiovascular phenotype. Last evaluated: 2025-06-22. Review status: criteria provided, single submitter. Criteria: Ambry Variant Classification Scheme 2023. Collection method: clinical testing. Allele origin: germline.
Comment: The p.K1440E variant (also known as c.4318A>G), located in coding exon 25 of the SCN10A gene, results from an A to G substitution at nucleotide position 4318. The lysine at codon 1440 is replaced by glutamic acid, an amino acid with similar properties. This amino acid position is conserved. In addition, this alteration is predicted to be deleterious by in silico analysis. Since supporting evidence is limited at this time, the clinical significance of this alteration remains unclear.

NM_006514.4(SCN10A):c.4318A>G (p.Lys1440Glu)

Gene: SCN10A (sodium voltage-gated channel alpha subunit 10; minus strand). Cytogenetic location: 3p22.2.
Variant type: single nucleotide variant.
Coding change: c.4318A>G on transcript NM_006514.4 (MANE Select); coding-DNA position 4318, A replaced by G.
Protein change: p.Lys1440Glu; replaces lysine 1440 with glutamic acid.
Molecular consequence: missense variant.
Genome position (GRCh38, 1-based): chr3:38,707,347, T>C on the plus strand (A>G on the coding strand, the complement: SCN10A is on the minus strand). VCF-style: chr3-38707347-T-C. GRCh37 (hg19) VCF-style: chr3-38748838-T-C.
Other names: c.4315A>G, p.Lys1439Glu (NM_001293306.2); c.4024A>G, p.Lys1342Glu (NM_001293307.2); short protein forms K1440E, K1342E, K1439E.
Identifiers: ClinVar variation 2312512 (VCV002312512.3), dbSNP rs2470582924, ClinGen allele CA352148642.